The following is an entry in ClinVar:

NM_001378454.1(ALMS1):c.10641C>T (p.Ser3547=)

Gene: ALMS1 (ALMS1 centrosome and basal body associated protein; plus strand). Cytogenetic location: 2p13.1.
Variant type: single nucleotide variant.
Coding change: c.10641C>T on transcript NM_001378454.1 (MANE Select); coding-DNA position 10641, C replaced by T.
Protein change: p.Ser3547=; no amino-acid change (serine 3547 retained).
Molecular consequence: synonymous variant.
Genome position (GRCh38, 1-based): chr2:73,572,518, C>T. VCF-style: chr2-73572518-C-T. GRCh37 (hg19) VCF-style: chr2-73799645-C-T.
Other names: c.10644C>T, p.Ser3548= (NM_015120.4).
Identifiers: ClinVar variation 1596897 (VCV001596897.9), dbSNP rs893243465, ClinGen allele CA50386318.

ClinVar aggregate classification (germline): Likely benign. Review status: criteria provided, single submitter (1 of 4 stars). 2 submissions from 2 submitters: Likely benign (1). 1 of the submissions does not count toward it. Last evaluated 2024-01-22.

Conditions:
ALMS1-related disorder. Also called: ALMS1-related condition.
Alstrom syndrome (ALMS). Identifiers: Orphanet 64, MedGen C0268425, MONDO:0008763, OMIM 203800.

gnomAD v4.1: 4 of 1,613,678 alleles (0.00025%); highest among the groups gnomAD compares: Non-Finnish European, 0.00034%; no homozygotes.

Submissions (2):

Labcorp Genetics (formerly Invitae), Labcorp
Classification: Likely benign for Alstrom syndrome. Last evaluated: 2024-01-22. Review status: criteria provided, single submitter. Criteria: Invitae Variant Classification Sherloc (09022015). Collection method: clinical testing. Allele origin: germline.

PreventionGenetics, part of Exact Sciences
Classification: Likely benign for ALMS1-related condition. Last evaluated: 2023-03-25. Review status: no assertion criteria provided. Collection method: clinical testing. Allele origin: germline. Not counted in ClinVar's aggregate classification.
Comment: This variant is classified as likely benign based on ACMG/AMP sequence variant interpretation guidelines (Richards et al. 2015 PMID: 25741868, with internal and published modifications).